The following is an entry in ClinVar:

ClinVar aggregate classification (germline): Benign (1 of 4 stars; one submission).

Conditions:
Leigh syndrome (NULS). Also called: Leigh's necrotizing encephalopathy; Leigh's disease; Leigh Syndrome (mtDNA deletion); Leigh Disease; Subacute necrotizing encephalopathy; Necrotizing encephalopathy infantile subacute of Leigh. Identifiers: Orphanet 506, MedGen C2931891, MONDO:0009723, OMIM 256000.

Submission:

Wong Mito Lab, Molecular and Human Genetics, Baylor College of Medicine
Classification: Benign for Leigh syndrome. Last evaluated: 2019-10-17. Review status: criteria provided, single submitter. Criteria: Modified ACMG Guidelines (Unpublished). Collection method: clinical testing. Allele origin: germline.
Comment: The NC_012920.1:m.9909T>C (YP_003024032.1:p.Phe235Leu) variant in MTCO3 gene is interpretated to be a Benign variant based on the modified ACMG guidelines (unpublished). This variant meets the following evidence codes: BS1, BS4

NC_012920.1(MT-CO3):m.9909T>C

Gene: MT-CO3 (mitochondrially encoded cytochrome c oxidase III; plus strand).
Variant type: single nucleotide variant.
Genome position: chrM-9909-T-C.
Identifiers: ClinVar variation 693246 (VCV000693246.1), dbSNP rs28690056, ClinGen allele CA337098606.
Genomic context (GRCh38, chrMT:9,909, plus strand): 5'-CTCACTATCTGCTTCATCCGCCAACTAATATTTCACTTTACATCCAAACATCACTTTGGC[T>C]TCGAAGCCGCCGCCTGATACTGGCATTTTGTAGATGTGGTTTGACTATTTCTGTATGTCT-3'